The following is an entry in ClinVar:

ClinVar aggregate classification (germline): Uncertain significance (1 of 4 stars; one submission).

Conditions:
Hereditary cancer-predisposing syndrome. Also called: Neoplastic Syndromes, Hereditary; Tumor predisposition; Hereditary Cancer Syndrome; Hereditary neoplastic syndrome. Identifiers: Orphanet 140162, MedGen C0027672, MeSH D009386, MONDO:0015356.

Submission:

Ambry Genetics
Classification: Uncertain significance for Hereditary cancer-predisposing syndrome. Last evaluated: 2020-09-25. Review status: criteria provided, single submitter. Criteria: Ambry Variant Classification Scheme 2023. Collection method: clinical testing. Allele origin: germline.
Comment: The p.I610T variant (also known as c.1829T>C), located in coding exon 16 of the TSC2 gene, results from a T to C substitution at nucleotide position 1829. The isoleucine at codon 610 is replaced by threonine, an amino acid with similar properties. This amino acid position is highly conserved in available vertebrate species. In addition, this alteration is predicted to be deleterious by in silico analysis. Since supporting evidence is limited at this time, the clinical significance of this alteration remains unclear.

NM_000548.5(TSC2):c.1829T>C (p.Ile610Thr)

Gene: TSC2 (TSC complex subunit 2; plus strand). Cytogenetic location: 16p13.3.
Variant type: single nucleotide variant.
Coding change: c.1829T>C on transcript NM_000548.5 (MANE Select); coding-DNA position 1829, T replaced by C.
Protein change: p.Ile610Thr; replaces isoleucine 610 with threonine.
Molecular consequence: missense variant.
Genome position (GRCh38, 1-based): chr16:2,070,568, T>C. VCF-style: chr16-2070568-T-C. GRCh37 (hg19) VCF-style: chr16-2120569-T-C.
Other names: c.1829T>C, p.Ile610Thr (NM_001077183.3, NM_001114382.3, NM_001363528.2 and 6 more transcripts); c.1718T>C, p.Ile573Thr (NM_001318827.2, NM_001406670.1, NM_001406678.1); c.1682T>C, p.Ile561Thr (NM_001318829.2, NM_001406675.1, NM_001406676.1 and 1 more transcripts); c.1229T>C, p.Ile410Thr (NM_001318831.2, NM_001406680.1, NM_001406682.1 and 6 more transcripts); c.1862T>C, p.Ile621Thr (NM_001318832.2); c.1919T>C, p.Ile640Thr (NM_001406667.1, NM_001406668.1); c.1817T>C, p.Ile606Thr (NM_001406671.1, NM_001406673.1); c.1772T>C, p.Ile591Thr (NM_001406677.1); and 3 more; short protein forms I162T, I573T, I610T, I456T, I561T, I621T, I640T, I76T.
Identifiers: ClinVar variation 1780906 (VCV001780906.2), dbSNP rs2151282006, ClinGen allele CA394273006.